The following is an entry in ClinVar:

NM_002439.5(MSH3):c.398C>G (p.Ser133Cys)

Gene: MSH3 (mutS homolog 3; plus strand). Cytogenetic location: 5q14.1.
Variant type: single nucleotide variant.
Coding change: c.398C>G on transcript NM_002439.5 (MANE Select); coding-DNA position 398, C replaced by G.
Protein change: p.Ser133Cys; replaces serine 133 with cysteine.
Molecular consequence: missense variant.
Genome position (GRCh38, 1-based): chr5:80,665,182, C>G. VCF-style: chr5-80665182-C-G. GRCh37 (hg19) VCF-style: chr5-79961001-C-G.
Other names: short protein forms S133C.
Identifiers: ClinVar variation 1710965 (VCV001710965.7), dbSNP rs1258553784, ClinGen allele CA360263138.

ClinVar aggregate classification (germline): Uncertain significance. Review status: criteria provided, multiple submitters, no conflicts (2 of 4 stars). 3 submissions from 3 submitters: Uncertain significance (3). Last evaluated 2025-12-22.

Conditions:
Familial adenomatous polyposis 4 (FAP4). Also called: MSH3-related attenuated familial adenomatous polyposis. Identifiers: Orphanet 480536, MedGen C4310719, MONDO:0044300, OMIM 617100.
Hereditary cancer-predisposing syndrome. Also called: Neoplastic Syndromes, Hereditary; Tumor predisposition; Hereditary Cancer Syndrome; Hereditary neoplastic syndrome. Identifiers: Orphanet 140162, MedGen C0027672, MeSH D009386, MONDO:0015356.

Allele frequency attached by ClinVar (database versions not stated): TOPMed below 0.00001; gnomAD 0.00001.
gnomAD v4.1: 1 of 1,613,946 alleles (0.000062%); highest among the groups gnomAD compares: African/African-American, 0.0013%; no homozygotes.

Submissions (3):

Labcorp Genetics (formerly Invitae), Labcorp
Classification: Uncertain significance. Last evaluated: 2025-12-22. Review status: criteria provided, single submitter. Criteria: Invitae Variant Classification Sherloc (09022015). Collection method: clinical testing. Allele origin: germline.
Comment: This sequence change replaces serine, which is neutral and polar, with cysteine, which is neutral and slightly polar, at codon 133 of the MSH3 protein (p.Ser133Cys). This variant is not present in population databases (gnomAD no frequency). This variant has not been reported in the literature in individuals affected with MSH3-related conditions. ClinVar contains an entry for this variant (Variation ID: 1710965). An algorithm developed to predict the effect of missense changes on protein structure and function (PolyPhen-2) suggests that this variant is likely to be disruptive. In summary, the available evidence is currently insufficient to determine the role of this variant in disease. Therefore, it has been classified as a Variant of Uncertain Significance.

Ambry Genetics
Classification: Uncertain significance for Hereditary cancer-predisposing syndrome. Last evaluated: 2024-08-21. Review status: criteria provided, single submitter. Criteria: Ambry Variant Classification Scheme 2023. Collection method: clinical testing. Allele origin: germline.
Comment: The p.S133C variant (also known as c.398C>G), located in coding exon 3 of the MSH3 gene, results from a C to G substitution at nucleotide position 398. The serine at codon 133 is replaced by cysteine, an amino acid with dissimilar properties. This amino acid position is conserved. In addition, the in silico prediction for this alteration is inconclusive. Since supporting evidence is limited at this time, the clinical significance of this alteration remains unclear.

St. Jude Molecular Pathology, St. Jude Children's Research Hospital
Classification: Uncertain significance for Familial adenomatous polyposis 4. Last evaluated: 2022-07-15. Review status: criteria provided, single submitter. Criteria: St. Jude Assertion Criteria 2020. Collection method: clinical testing. Allele origin: germline.
Comment: The MSH3 c.398C>G (p.Ser133Cys) missense change is absent in gnomAD v2.1.1. The in silico tool REVEL is inconclusive about a pathogenic or benign effect of this variant on protein function, and to our knowledge functional studies have not been performed. To our knowledge, this variant has not been reported in individuals with MSH3-associated familial adenomatous polyposis. In summary, the evidence currently available is insufficient to determine the clinical significance of this variant. It has therefore been classified as of uncertain significance.